The following is an entry in ClinVar:

ClinVar aggregate classification (germline): Uncertain significance (1 of 4 stars; one submission).

Submission:

CeGaT Center for Human Genetics Tuebingen
Classification: Uncertain significance. Last evaluated: 2022-11-01. Review status: criteria provided, single submitter. Criteria: CeGaT Center For Human Genetics Tuebingen Variant Classification Criteria Version 2. Collection method: clinical testing. Allele origin: germline. Affected: yes. Observed: 1 variant allele.
Comment: FLT1: PM2, BP4

NM_002019.4(FLT1):c.262T>C (p.Phe88Leu)

Gene: FLT1 (fms related receptor tyrosine kinase 1; minus strand). Cytogenetic location: 13q12.3.
Variant type: single nucleotide variant.
Coding change: c.262T>C on transcript NM_002019.4 (MANE Select); coding-DNA position 262, T replaced by C.
Protein change: p.Phe88Leu; replaces phenylalanine 88 with leucine.
Molecular consequence: missense variant.
Genome position (GRCh38, 1-based): chr13:28,467,029, A>G on the plus strand (T>C on the coding strand, the complement: FLT1 is on the minus strand). VCF-style: chr13-28467029-A-G. GRCh37 (hg19) VCF-style: chr13-29041166-A-G.
Other names: c.262T>C, p.Phe88Leu (NM_001159920.2, NM_001160030.2, NM_001160031.1); short protein forms F88L.
Identifiers: ClinVar variation 2643708 (VCV002643708.24), dbSNP rs2502547565, ClinGen allele CA387697048.